The following is an entry in ClinVar:

ClinVar aggregate classification (germline): Benign/Likely benign. Review status: criteria provided, multiple submitters, no conflicts (2 of 4 stars). 6 submissions from 6 submitters: Benign (2); Likely benign (4). Last evaluated 2026-01-19.

Conditions:
AHDC1-related intellectual disability - obstructive sleep apnea - mild dysmorphism syndrome. Also called: Xia-Gibbs syndrome. Identifiers: Orphanet 412069, MedGen C4014419, MONDO:0014358, OMIM 615829.

Allele frequency attached by ClinVar (database versions not stated): gnomAD exomes 0.00026 and 0.00035; ExAC 0.00030; 1000 Genomes Project 30x 0.00031; 1000 Genomes Project 0.00040; ESP Exome Variant Server 0.00054; gnomAD 0.00066 and 0.00073; TOPMed 0.00076.

Submissions (6):

Labcorp Genetics (formerly Invitae), Labcorp
Classification: Likely benign. Last evaluated: 2026-01-19. Review status: criteria provided, single submitter. Criteria: Invitae Variant Classification Sherloc (09022015). Collection method: clinical testing. Allele origin: germline.

Blueprint Genetics
Classification: Likely benign. Last evaluated: 2024-09-23. Review status: criteria provided, single submitter. Criteria: ACMG Guidelines, 2015. Collection method: clinical testing. Allele origin: germline.

CeGaT Center for Human Genetics Tuebingen
Classification: Likely benign. Last evaluated: 2024-03-01. Review status: criteria provided, single submitter. Criteria: CeGaT Center For Human Genetics Tuebingen Variant Classification Criteria Version 2. Collection method: clinical testing. Allele origin: germline. Affected: yes. Observed: 2 variant alleles.
Comment: AHDC1: BP4, BP7, BS1

Genome-Nilou Lab
Classification: Benign for AHDC1-related intellectual disability - obstructive sleep apnea - mild dysmorphism syndrome. Last evaluated: 2021-12-05. Review status: criteria provided, single submitter. Criteria: ACMG Guidelines, 2015. Collection method: clinical testing. Allele origin: germline. Affected: no.

GeneDx
Classification: Benign. Last evaluated: 2020-01-14. Review status: criteria provided, single submitter. Criteria: GeneDx Variant Classification Process June 2021. Collection method: clinical testing. Allele origin: germline. Affected: yes.

Breakthrough Genomics
Classification: Likely benign. Review status: criteria provided, single submitter. Criteria: ACMG Guidelines, 2015. Collection method: not provided. Allele origin: germline. Inheritance: Autosomal dominant inheritance. Affected: yes.

NM_001371928.1(AHDC1):c.489A>G (p.Leu163=)

Gene: AHDC1 (AT-hook DNA binding motif containing 1; minus strand). Cytogenetic location: 1p36.11.
Variant type: single nucleotide variant.
Coding change: c.489A>G on transcript NM_001371928.1 (MANE Select); coding-DNA position 489, A replaced by G.
Protein change: p.Leu163=; no amino-acid change (leucine 163 retained).
Molecular consequence: synonymous variant.
Genome position (GRCh38, 1-based): chr1:27,551,627, T>C on the plus strand (A>G on the coding strand, the complement: AHDC1 is on the minus strand). VCF-style: chr1-27551627-T-C. GRCh37 (hg19) VCF-style: chr1-27878138-T-C.
Other names: c.489A>G, p.Leu163= (NM_001029882.3); c.489A>G (NM_001029882.2).
Identifiers: ClinVar variation 725516 (VCV000725516.39), dbSNP rs142502245, ClinGen allele CA716140.